The following is an entry in ClinVar:

ClinVar aggregate classification (germline): Likely benign (1 of 4 stars; one submission).

Submission:

CeGaT Center for Human Genetics Tuebingen
Classification: Likely benign. Last evaluated: 2026-06-01. Review status: criteria provided, single submitter. Criteria: CeGaT Center For Human Genetics Tuebingen Variant Classification Criteria Version 2. Collection method: clinical testing. Allele origin: germline. Affected: yes. Observed: 1 variant allele.
Comment: STK11: BS1

NC_000019.10:g.1205351G>A

Genes: STK11 (serine/threonine kinase 11; plus strand), LOC130062893 (ATAC-STARR-seq lymphoblastoid active region 13593; plus strand). Cytogenetic location: 19p13.3.
Variant type: single nucleotide variant.
Genome position: GRCh38 VCF-style: chr19-1205351-G-A. GRCh37 (hg19) VCF-style: chr19-1205350-G-A.
Identifiers: ClinVar variation 4873743 (VCV004873743.2).